The following is an entry in ClinVar:

ClinVar aggregate classification (germline): Uncertain significance (1 of 4 stars; one submission).

Conditions:
Combined immunodeficiency due to ZAP70 deficiency (IMD48). Also called: Immunodeficiency 48; ZAP70 Deficiency. Identifiers: Orphanet 911, MedGen C2931299, MONDO:0010023, OMIM 269840.

Allele frequency attached by ClinVar (database versions not stated): gnomAD exomes 0.00001 and 0.00004; gnomAD 0.00003; TOPMed 0.00003; ExAC 0.00002.
gnomAD v4.1: 29 of 1,613,992 alleles (0.0018%); highest among the groups gnomAD compares: Non-Finnish European, 0.00034%; no homozygotes.

Submission:

Labcorp Genetics (formerly Invitae), Labcorp
Classification: Uncertain significance for Combined immunodeficiency due to ZAP70 deficiency. Last evaluated: 2022-04-21. Review status: criteria provided, single submitter. Criteria: Invitae Variant Classification Sherloc (09022015). Collection method: clinical testing. Allele origin: germline.
Comment: This sequence change replaces serine, which is neutral and polar, with glycine, which is neutral and non-polar, at codon 478 of the ZAP70 protein (p.Ser478Gly). This variant is present in population databases (rs201117726, gnomAD 0.1%). This variant has not been reported in the literature in individuals affected with ZAP70-related conditions. ClinVar contains an entry for this variant (Variation ID: 951614). Algorithms developed to predict the effect of missense changes on protein structure and function are either unavailable or do not agree on the potential impact of this missense change (SIFT: "Not Available"; PolyPhen-2: "Probably Damaging"; Align-GVGD: "Not Available"). In summary, the available evidence is currently insufficient to determine the role of this variant in disease. Therefore, it has been classified as a Variant of Uncertain Significance.

NM_001079.4(ZAP70):c.1432A>G (p.Ser478Gly)

Gene: ZAP70 (zeta chain of T cell receptor associated protein kinase 70; plus strand). Cytogenetic location: 2q11.2.
Variant type: single nucleotide variant.
Coding change: c.1432A>G on transcript NM_001079.4 (MANE Select); coding-DNA position 1432, A replaced by G.
Protein change: p.Ser478Gly; replaces serine 478 with glycine.
Molecular consequence: missense variant.
Genome position (GRCh38, 1-based): chr2:97,737,615, A>G. VCF-style: chr2-97737615-A-G. GRCh37 (hg19) VCF-style: chr2-98354078-A-G.
Other names: c.1432A>G, p.Ser478Gly (NM_001378594.1); c.511A>G, p.Ser171Gly (NM_207519.2); short protein forms S478G, S171G.
Identifiers: ClinVar variation 951614 (VCV000951614.7), dbSNP rs201117726, ClinGen allele CA1790457.